The following is an entry in ClinVar:

NM_021831.6(AGBL5):c.1960A>C (p.Ser654Arg)

Gene: AGBL5 (AGBL carboxypeptidase 5; plus strand). Cytogenetic location: 2p23.3.
Variant type: single nucleotide variant.
Coding change: c.1960A>C on transcript NM_021831.6 (MANE Select); coding-DNA position 1960, A replaced by C.
Protein change: p.Ser654Arg; replaces serine 654 with arginine.
Molecular consequence: missense variant. On other transcripts: non-coding transcript variant (2).
Genome position (GRCh38, 1-based): chr2:27,059,275, A>C. VCF-style: chr2-27059275-A-C. GRCh37 (hg19) VCF-style: chr2-27282143-A-C.
Other names: c.1960A>C, p.Ser654Arg (NM_001035506.1, NM_001035507.3); short protein forms S654R.
Identifiers: ClinVar variation 1984261 (VCV001984261.2), dbSNP rs757516304, ClinGen allele CA1568027.
Genomic context (GRCh38, chr2:27,059,275, plus strand): 5'-AACACCTTGAGTCGGGCACGAAGTTTTAGCACCGGCACAAGTGCCGGTGGTAGCAGCAGC[A>C]GCCAACAAAATTCTCCACAGATGAAGAATTCCCCCAGCTTTCCTTTTCATGGCAGTCGGC-3'
Protein context (NP_068603.4, residues 644-664): TGTSAGGSSS[Ser654Arg]QQNSPQMKNS

ClinVar aggregate classification (germline): Uncertain significance (1 of 4 stars; one submission).

Allele frequency attached by ClinVar (database versions not stated): ExAC 0.00001.

Submission:

Labcorp Genetics (formerly Invitae), Labcorp
Classification: Uncertain significance. Last evaluated: 2022-05-07. Review status: criteria provided, single submitter. Criteria: Invitae Variant Classification Sherloc (09022015). Collection method: clinical testing. Allele origin: germline.
Comment: This sequence change replaces serine, which is neutral and polar, with arginine, which is basic and polar, at codon 654 of the AGBL5 protein (p.Ser654Arg). In summary, the available evidence is currently insufficient to determine the role of this variant in disease. Therefore, it has been classified as a Variant of Uncertain Significance. Algorithms developed to predict the effect of missense changes on protein structure and function are either unavailable or do not agree on the potential impact of this missense change (SIFT: "Deleterious"; PolyPhen-2: "Probably Damaging"; Align-GVGD: "Class C0"). This variant has not been reported in the literature in individuals affected with AGBL5-related conditions. This variant is present in population databases (rs757516304, gnomAD 0.006%).